The following is an entry in ClinVar:

NM_003458.4(BSN):c.10049C>T (p.Pro3350Leu)

Gene: BSN (bassoon presynaptic cytomatrix protein; plus strand). Cytogenetic location: 3p21.31.
Variant type: single nucleotide variant.
Coding change: c.10049C>T on transcript NM_003458.4 (MANE Select); coding-DNA position 10049, C replaced by T.
Protein change: p.Pro3350Leu; replaces proline 3350 with leucine.
Molecular consequence: missense variant.
Genome position (GRCh38, 1-based): chr3:49,661,894, C>T. VCF-style: chr3-49661894-C-T. GRCh37 (hg19) VCF-style: chr3-49699327-C-T.
Other names: short protein forms P3350L.
Identifiers: ClinVar variation 3351964 (VCV003351964.1).

ClinVar aggregate classification (germline): Uncertain significance (0 of 4 stars; one submission).

Conditions:
BSN-related disorder. Also called: BSN-related condition.

gnomAD v4.1: 4 of 1,613,766 alleles (0.00025%); highest among the groups gnomAD compares: Non-Finnish European, 0.00034%; no homozygotes.

Submission:

PreventionGenetics, part of Exact Sciences
Classification: Uncertain significance for BSN-related condition. Last evaluated: 2024-09-15. Review status: no assertion criteria provided. Collection method: clinical testing. Allele origin: germline.
Comment: The BSN c.10049C>T variant is predicted to result in the amino acid substitution p.Pro3350Leu. To our knowledge, this variant has not been reported in the literature. This variant is reported in 0.00088% of alleles in individuals of European (Non-Finnish) descent in gnomAD. At this time, the clinical significance of this variant is uncertain due to the absence of conclusive functional and genetic evidence.